The following is an entry in ClinVar:

ClinVar aggregate classification (germline): Conflicting classifications of pathogenicity. Review status: criteria provided, conflicting classifications (1 of 4 stars). 3 submissions from 3 submitters: Uncertain significance (1); Likely benign (1). 1 of the submissions does not count toward it. Last evaluated 2023-03-23.

Conditions:
Hereditary cancer-predisposing syndrome. Also called: Tumor predisposition; Neoplastic Syndromes, Hereditary; Hereditary Cancer Syndrome; Hereditary neoplastic syndrome. Identifiers: Orphanet 140162, MedGen C0027672, MeSH D009386, MONDO:0015356.
Breast-ovarian cancer, familial, susceptibility to, 1 (BROVCA1). Also called: OVARIAN CANCER, SUSCEPTIBILITY TO; BRCA1 Hereditary Breast and Ovarian Cancer. Identifiers: Orphanet 145, MedGen C2676676, MONDO:0011450, OMIM 604370. Disease mechanism: loss of function.

Submissions (3):

University of Washington Department of Laboratory Medicine, University of Washington
Classification: Likely benign for Hereditary cancer-predisposing syndrome. Last evaluated: 2023-03-23. Review status: criteria provided, single submitter. Criteria: Dines et al. (Genet Med. 2020). Collection method: curation. Allele origin: germline.
Comment: Missense variant in a coldspot region where missense variants are very unlikely to be pathogenic (PMID:31911673).

BRCA1 coldspot (exon 11 using historical exon numbering). Reclassification based on statistical prior probability

Ambry Genetics
Classification: Uncertain significance for Hereditary cancer-predisposing syndrome. Last evaluated: 2020-08-17. Review status: criteria provided, single submitter. Criteria: Ambry Variant Classification Scheme 2023. Collection method: clinical testing. Allele origin: germline.
Comment: The p.K558Q variant (also known as c.1672A>C), located in coding exon 9 of the BRCA1 gene, results from an A to C substitution at nucleotide position 1672. The lysine at codon 558 is replaced by glutamine, an amino acid with similar properties. This amino acid position is poorly conserved in available vertebrate species. In addition, the in silico prediction for this alteration is inconclusive. Since supporting evidence is limited at this time, the clinical significance of this alteration remains unclear.

Sharing Clinical Reports Project (SCRP)
Classification: Uncertain significance for Breast-ovarian cancer, familial 1. Last evaluated: 2012-01-13. Review status: no assertion criteria provided. Collection method: clinical testing. Allele origin: germline. Not counted in ClinVar's aggregate classification.

NM_007294.4(BRCA1):c.1672A>C (p.Lys558Gln)

Gene: BRCA1 (BRCA1 DNA repair associated; minus strand). Cytogenetic location: 17q21.31.
Variant type: single nucleotide variant.
Coding change: c.1672A>C on transcript NM_007294.4 (MANE Select); coding-DNA position 1672, A replaced by C.
Protein change: p.Lys558Gln; replaces lysine 558 with glutamine.
Molecular consequence: missense variant. On other transcripts: intron variant (137).
Genome position (GRCh38, 1-based): chr17:43,093,859, T>G on the plus strand (A>C on the coding strand, the complement: BRCA1 is on the minus strand). VCF-style: chr17-43093859-T-G. GRCh37 (hg19) VCF-style: chr17-41245876-T-G.
Other names: 1791A>C; c.1459A>C, p.Lys487Gln (NM_001407571.1, NM_001407853.1, NM_001407894.1 and 9 more transcripts); c.1672A>C, p.Lys558Gln (NM_001407581.1, NM_001407582.1, NM_001407583.1 and 30 more transcripts); c.1669A>C, p.Lys557Gln (NM_001407587.1, NM_001407590.1, NM_001407591.1 and 22 more transcripts); c.1663A>C, p.Lys555Gln (NM_001407646.1, NM_001407647.1); c.1549A>C, p.Lys517Gln (NM_001407648.1, NM_001407664.1, NM_001407665.1 and 19 more transcripts); c.1546A>C, p.Lys516Gln (NM_001407649.1, NM_001407670.1, NM_001407671.1 and 11 more transcripts); c.1594A>C, p.Lys532Gln (NM_001407653.1, NM_001407654.1, NM_001407655.1 and 4 more transcripts); and 41 more; short protein forms K558Q, K511Q, K446Q, K487Q, K490Q, K491Q, K531Q, K532Q.
Identifiers: ClinVar variation 37424 (VCV000037424.7), dbSNP rs397507190, ClinGen allele CA001100.